The following is an entry in ClinVar:

NM_152328.5(ADSS1):c.1309G>A (p.Val437Met)

Gene: ADSS1 (adenylosuccinate synthase 1; plus strand). Cytogenetic location: 14q32.33.
Variant type: single nucleotide variant.
Coding change: c.1309G>A on transcript NM_152328.5 (MANE Select); coding-DNA position 1309, G replaced by A.
Protein change: p.Val437Met; replaces valine 437 with methionine.
Molecular consequence: missense variant.
Genome position (GRCh38, 1-based): chr14:104,746,373, G>A. VCF-style: chr14-104746373-G-A. GRCh37 (hg19) VCF-style: chr14-105212710-G-A.
Other names: c.1438G>A (NM_199165.1); c.694G>A, p.Val232Met (NM_001320424.1); c.1438G>A, p.Val480Met (NM_199165.2); short protein forms V232M, V437M, V480M.
Identifiers: ClinVar variation 2173078 (VCV002173078.4), dbSNP rs373108348, ClinGen allele CA7374089.
Genomic context (GRCh38, chr14:104,746,373, plus strand): 5'-AGGAGGTGGGAGGACCTGCCCCCACAGGCCCAGAACTACATCCGCTTTGTGGAGAATCAC[G>A]TGGGAGTCGCAGGTGGGTGCCCTGCATCCCCAGCCACCCTCCCTGCACCCTGGATGCCCC-3'
Protein context (NP_689541.1, residues 427-447): QNYIRFVENH[Val437Met]GVAVKWVGVG

ClinVar aggregate classification (germline): Uncertain significance. Review status: criteria provided, multiple submitters, no conflicts (2 of 4 stars). 2 submissions from 2 submitters: Uncertain significance (2). Last evaluated 2025-09-01.

Conditions:
Inborn genetic diseases. Identifiers: MedGen C0950123, MeSH D030342.

Allele frequency attached by ClinVar (database versions not stated): ExAC 0.00002; ESP Exome Variant Server 0.00008; gnomAD 0.00010; TOPMed 0.00014.
gnomAD v4.1: 36 of 1,611,824 alleles (0.0022%); highest among the groups gnomAD compares: Admixed American, 0.023%; no homozygotes.

Submissions (2):

Ambry Genetics
Classification: Uncertain significance for Inborn genetic diseases. Last evaluated: 2025-09-01. Review status: criteria provided, single submitter. Criteria: Ambry Variant Classification Scheme 2023. Collection method: clinical testing. Allele origin: germline.

Labcorp Genetics (formerly Invitae), Labcorp
Classification: Uncertain significance. Last evaluated: 2022-08-21. Review status: criteria provided, single submitter. Criteria: Invitae Variant Classification Sherloc (09022015). Collection method: clinical testing. Allele origin: germline.
Comment: This sequence change replaces valine, which is neutral and non-polar, with methionine, which is neutral and non-polar, at codon 480 of the ADSSL1 protein (p.Val480Met). This variant is present in population databases (rs373108348, gnomAD 0.007%). This variant has not been reported in the literature in individuals affected with ADSSL1-related conditions. Algorithms developed to predict the effect of missense changes on protein structure and function output the following: SIFT: "Not Available"; PolyPhen-2: "Possibly Damaging"; Align-GVGD: "Not Available". The methionine amino acid residue is found in multiple mammalian species, which suggests that this missense change does not adversely affect protein function. In summary, the available evidence is currently insufficient to determine the role of this variant in disease. Therefore, it has been classified as a Variant of Uncertain Significance.